The following is an entry in ClinVar:

ClinVar aggregate classification (germline): Uncertain significance (1 of 4 stars; one submission).

Submission:

GeneDx
Classification: Uncertain significance. Last evaluated: 2023-01-25. Review status: criteria provided, single submitter. Criteria: GeneDx Variant Classification Process June 2021. Collection method: clinical testing. Allele origin: germline. Affected: yes.
Comment: Not observed at significant frequency in large population cohorts (gnomAD); In silico analysis supports that this missense variant has a deleterious effect on protein structure/function; Has not been previously published as pathogenic or benign to our knowledge

NM_005647.4(TBL1X):c.905T>A (p.Leu302His)

Gene: TBL1X (transducin beta like 1 X-linked; plus strand). Cytogenetic location: Xp22.2.
Variant type: single nucleotide variant.
Coding change: c.905T>A on transcript NM_005647.4 (MANE Select); coding-DNA position 905, T replaced by A.
Protein change: p.Leu302His; replaces leucine 302 with histidine.
Molecular consequence: missense variant.
Genome position (GRCh38, 1-based): chrX:9,693,162, T>A. VCF-style: chrX-9693162-T-A. GRCh37 (hg19) VCF-style: chrX-9661202-T-A.
Other names: c.905T>A, p.Leu302His (NM_001139466.1); c.752T>A, p.Leu251His (NM_001139467.1, NM_001139468.1); short protein forms L251H, L302H.
Identifiers: ClinVar variation 2574420 (VCV002574420.1), dbSNP rs2518583391, ClinGen allele CA412000799.
Genomic context (GRCh38, chrX:9,693,162, plus strand): 5'-CGCTCCTAAGTTGTTTTTGTGGGGTTTTGTCTCTTTCTGGCCCTCAGACCAATGGAACAC[T>A]CTTGGCTACGGGTTCATATGACGGTTTTGCAAGAATATGGACGGAAGATGGTGAGTTCTG-3'
Protein context (NP_005638.1, residues 292-312): TSLDWNTNGT[Leu302His]LATGSYDGFA